The following is an entry in ClinVar:

ClinVar aggregate classification (germline): Uncertain significance. Review status: criteria provided, multiple submitters, no conflicts (2 of 4 stars). 2 submissions from 2 submitters: Uncertain significance (2). Last evaluated 2025-05-15.

Submissions (2):

Ambry Genetics
Classification: Uncertain significance. Last evaluated: 2025-05-15. Review status: criteria provided, single submitter. Criteria: Ambry Variant Classification Scheme 2023. Collection method: clinical testing. Allele origin: germline.
Comment: The p.L26F variant (also known as c.76C>T), located in coding exon 2 of the RINT1 gene, results from a C to T substitution at nucleotide position 76. The leucine at codon 26 is replaced by phenylalanine, an amino acid with highly similar properties. This amino acid position is conserved. In addition, this alteration is predicted to be tolerated by in silico analysis. Since supporting evidence is limited at this time, the clinical significance of this alteration remains unclear.

Labcorp Genetics (formerly Invitae), Labcorp
Classification: Uncertain significance. Last evaluated: 2023-05-10. Review status: criteria provided, single submitter. Criteria: Invitae Variant Classification Sherloc (09022015). Collection method: clinical testing. Allele origin: germline.
Comment: This variant has not been reported in the literature in individuals affected with RINT1-related conditions. In summary, the available evidence is currently insufficient to determine the role of this variant in disease. Therefore, it has been classified as a Variant of Uncertain Significance. An algorithm developed to predict the effect of missense changes on protein structure and function (PolyPhen-2) suggests that this variant is likely to be tolerated. ClinVar contains an entry for this variant (Variation ID: 938710). This variant is not present in population databases (gnomAD no frequency). This sequence change replaces leucine, which is neutral and non-polar, with phenylalanine, which is neutral and non-polar, at codon 26 of the RINT1 protein (p.Leu26Phe).

NM_021930.6(RINT1):c.76C>T (p.Leu26Phe)

Gene: RINT1 (RAD50 interactor 1; plus strand). Cytogenetic location: 7q22.3.
Variant type: single nucleotide variant.
Coding change: c.76C>T on transcript NM_021930.6 (MANE Select); coding-DNA position 76, C replaced by T.
Protein change: p.Leu26Phe; replaces leucine 26 with phenylalanine.
Molecular consequence: missense variant. On other transcripts: 5 prime UTR variant (4), non-coding transcript variant (1).
Genome position (GRCh38, 1-based): chr7:105,532,857, C>T. VCF-style: chr7-105532857-C-T. GRCh37 (hg19) VCF-style: chr7-105173304-C-T.
Other names: c.-22C>T (NM_001346599.2); c.-944C>T (NM_001346600.2); c.-847C>T (NM_001346601.2); c.-467C>T (NM_001346603.2); short protein forms L26F.
Identifiers: ClinVar variation 938710 (VCV000938710.13), dbSNP rs1790088487, ClinGen allele CA368799441.